The following is an entry in ClinVar:

ClinVar aggregate classification (germline): Conflicting classifications of pathogenicity. Review status: criteria provided, conflicting classifications (1 of 4 stars). 3 submissions from 3 submitters: Likely pathogenic (1); Uncertain significance (1). 1 of the submissions does not count toward it. Last evaluated 2026-03-20.

Conditions:
Lissencephaly type 1 due to doublecortin gene mutation. Also called: LISSENCEPHALY AND AGENESIS OF CORPUS CALLOSUM; LISSENCEPHALY, X-LINKED, 1. Identifiers: Orphanet 2148, MedGen C4551968, MONDO:0010239, OMIM 300067.

Allele frequency attached by ClinVar (database versions not stated): ExAC 0.00001; gnomAD exomes 0.00002 and 0.00003; gnomAD 0.00003; TOPMed 0.00003.
gnomAD v4.1: 25 of 1,208,031 alleles (0.0021%); highest among the groups gnomAD compares: Non-Finnish European, 0.0026%; no homozygotes.

Submissions (3):

Women's Health and Genetics/Laboratory Corporation of America, LabCorp
Classification: Uncertain significance. Last evaluated: 2026-03-20. Review status: criteria provided, single submitter. Criteria: LabCorp Variant Classification Summary - May 2015. Collection method: clinical testing. Allele origin: germline.
Comment: Variant summary: DCX c.-22-364C>T (also known as c.191C>T (p.Pro64Leu) in NM_000555) is located in the untranslated mRNA region upstream of the initiation codon. The variant allele was found at a frequency of 3.3e-05 in 183364 control chromosomes (gnomAD). The available data on variant occurrences in the general population are insufficient to allow any conclusion about variant significance. To our knowledge, no occurrence of c.-22-364C>T in individuals affected with DCX-related conditions and no experimental evidence demonstrating its impact on protein function have been reported. The following publication have been ascertained in the context of this evaluation (PMID: 31589614). ClinVar contains an entry for this variant (Variation ID: 495232). Based on the evidence outlined above, the variant was classified as uncertain significance.

NeuroMeGen, Hospital Clinico Santiago de Compostela
Classification: Likely pathogenic for Lissencephaly type 1 due to doublecortin gene mutation. Last evaluated: 2018-01-01. Review status: criteria provided, single submitter. Criteria: ACMG Guidelines, 2015. Collection method: clinical testing. Allele origin: unknown. Affected: yes. Observed: 1 heterozygote.

Service de Génétique Moléculaire, Hôpital Robert Debré
Classification: Likely benign for Lissencephaly type 1 due to doublecortin gene mutation. Review status: no assertion criteria provided. Collection method: clinical testing. Allele origin: unknown. Affected: yes. Not counted in ClinVar's aggregate classification.

Literature cited by the submitters: PubMed 31589614 (cited by Women's Health and Genetics/Laboratory Corporation of America, LabCorp).

NM_001195553.2(DCX):c.-22-364C>T

Gene: DCX (doublecortin; minus strand). Cytogenetic location: Xq23.
Variant type: single nucleotide variant.
Coding change: c.-22-364C>T on transcript NM_001195553.2 (MANE Select); 364 bases into the intron before 22 bases upstream of the start codon, C replaced by T.
Molecular consequence: intron variant. On other transcripts: missense variant (1).
Genome position (GRCh38, 1-based): chrX:111,410,784, G>A on the plus strand (C>T on the coding strand, the complement: DCX is on the minus strand). VCF-style: chrX-111410784-G-A. GRCh37 (hg19) VCF-style: chrX-110654012-G-A.
Other names: c.191C>T, p.Pro64Leu (NM_000555.3); c.-22-364C>T (NM_001369373.1, NM_178153.3, NM_001369372.1 and 5 more transcripts); short protein forms P64L.
Identifiers: ClinVar variation 495232 (VCV000495232.3), dbSNP rs761786389, ClinGen allele CA10493365.